The following is an entry in ClinVar:

ClinVar aggregate classification (germline): Likely benign. Review status: criteria provided, single submitter (1 of 4 stars). 2 submissions from 2 submitters: Likely benign (1). 1 of the submissions does not count toward it. Last evaluated 2025-11-18.

Conditions:
Hereditary breast ovarian cancer syndrome. Also called: Hereditary breast and ovarian cancer syndrome (HBOC); Breast and ovarian cancer; BRCA1- and BRCA2-Associated Hereditary Breast and Ovarian Cancer; Hereditary breast and/or ovarian cancer syndrome; Hereditary breast and ovarian cancer; Hereditary breast and ovarian cancer syndrome. Identifiers: Orphanet 145, MedGen C0677776, MeSH D061325, MONDO:0003582. Disease mechanism: loss of function.
Malignant tumor of breast. Also called: Malignant breast neoplasm; Cancer breast. Identifiers: MedGen C0006142, MONDO:0007254. Disease mechanism: loss of function.

Submissions (2):

Labcorp Genetics (formerly Invitae), Labcorp
Classification: Likely benign for Hereditary breast ovarian cancer syndrome. Last evaluated: 2025-11-18. Review status: criteria provided, single submitter. Criteria: Invitae Variant Classification Sherloc (09022015). Collection method: clinical testing. Allele origin: germline.

Department of Pathology and Laboratory Medicine, Sinai Health System
Classification: Likely benign for Malignant tumor of breast. Review status: no assertion criteria provided. Collection method: clinical testing. Allele origin: unknown. Affected: yes. Observed: 1 variant allele. Study: The Canadian Open Genetics Repository (COGR). Not counted in ClinVar's aggregate classification.
Comment: The BRCA2 p.Asn854Asn variant was not identified in the literature nor was it identified in the dbSNP, NHLBI Exome Sequencing Project (Exome Variant Server), Exome Aggregation Consortium (ExAC) database, HGMD, Clinvitae database, LOVD, COSMIC, the ClinVar database, GeneInsight COGR database, the BIC and UMD databases. The p.Asn854Asn variant is not expected to have clinical significance because it does not result in a change of amino acid and is not located in a known consensus splice site. In addition, in silico or computational prediction software programs (SpliceSiteFinder, MaxEntScan, NNSPLICE, GeneSplicer, HumanSpliceFinder) do not predict a difference in splicing. In summary, based on the above information, the clinical significance of this variant cannot be determined with certainty at this time although we would lean towards a more benign role for this variant. This variant is classified as predicted benign.

NM_000059.4(BRCA2):c.2562C>T (p.Asn854=)

Gene: BRCA2 (BRCA2 DNA repair associated; plus strand). Cytogenetic location: 13q13.1.
Variant type: single nucleotide variant.
Coding change: c.2562C>T on transcript NM_000059.4 (MANE Select); coding-DNA position 2562, C replaced by T.
Protein change: p.Asn854=; no amino-acid change (asparagine 854 retained).
Molecular consequence: synonymous variant.
Genome position (GRCh38, 1-based): chr13:32,336,917, C>T. VCF-style: chr13-32336917-C-T. GRCh37 (hg19) VCF-style: chr13-32911054-C-T.
Identifiers: ClinVar variation 433769 (VCV000433769.8), dbSNP rs1555282746, ClinGen allele CA483437295.